The following is an entry in ClinVar:

NM_213599.3(ANO5):c.1295C>G (p.Ala432Gly)

Gene: ANO5 (anoctamin 5; plus strand). Cytogenetic location: 11p14.3.
Variant type: single nucleotide variant.
Coding change: c.1295C>G on transcript NM_213599.3 (MANE Select); coding-DNA position 1295, C replaced by G.
Protein change: p.Ala432Gly; replaces alanine 432 with glycine.
Molecular consequence: missense variant.
Genome position (GRCh38, 1-based): chr11:22,255,485, C>G. VCF-style: chr11-22255485-C-G. GRCh37 (hg19) VCF-style: chr11-22277031-C-G.
Other names: NM_213599.3(ANO5):c.1295C>G; p.Ala432Gly; 1295C-G; c.1292C>G, p.Ala431Gly (NM_001142649.2); short protein forms A432G, A431G.
Identifiers: ClinVar variation 2163 (VCV000002163.24), dbSNP rs137854524, ClinGen allele CA224408.

ClinVar aggregate classification (germline): Pathogenic. Review status: reviewed by expert panel (3 of 4 stars). 12 submissions from 12 submitters: Pathogenic (1). 11 of the submissions do not count toward it. Last evaluated 2026-01-08.

Conditions:
ANO5-related disorder. Also called: ANO5-related condition; ANO5-related disorders. Identifiers: MedGen CN239193.
Autosomal recessive limb-girdle muscular dystrophy type 2L (LGMDR12). Also called: MUSCULAR DYSTROPHY, LIMB-GIRDLE, AUTOSOMAL RECESSIVE 12; Limb-girdle muscular dystrophy, type 2L; Limb-Girdle Muscular Dystrophy R12 Anoctamin-5-Related (LGMD-R12). Identifiers: Orphanet 206549, MedGen C1969785, MONDO:0012652, OMIM 611307.
Gnathodiaphyseal dysplasia (GDD). Also called: OSTEOGENESIS IMPERFECTA WITH UNUSUAL SKELETAL LESIONS; GNATHODIAPHYSEAL SCLEROSIS. Identifiers: Orphanet 53697, MedGen C1833736, MONDO:0008151, OMIM 166260.
Autosomal recessive limb-girdle muscular dystrophy. Identifiers: Orphanet 102015, MedGen C2931907, MONDO:0015152.
Miyoshi muscular dystrophy 3 (MMD3). Also called: Miyoshi myopathy 3; Miyoshi Muscular Dystrophy 3 (MMD3). Identifiers: Orphanet 399096, MedGen C2750076, MONDO:0013222, OMIM 613319.

Allele frequency attached by ClinVar (database versions not stated): gnomAD 0.00001; TOPMed 0.00001; ExAC 0.00002; gnomAD exomes 0.00003.
gnomAD v4.1: 17 of 1,613,304 alleles (0.0011%); highest among the groups gnomAD compares: Non-Finnish European, 0.0014%; no homozygotes.

Submissions (12):

ClinGen Limb Girdle Muscular Dystrophy Variant Curation Expert Panel, ClinGen
Classification: Pathogenic for Autosomal recessive limb-girdle muscular dystrophy. Last evaluated: 2026-01-08. Review status: reviewed by expert panel. Criteria: ClinGen LGMD VCEP ACMG Specifications ANO5 V2.0.0. Collection method: curation. Allele origin: germline. Inheritance: Autosomal recessive inheritance.
Comment: The NM_213599.3: c.1295C>G variant in ANO5 is a missense variant predicted to cause the substitution of alanine by glycine at amino acid position 432, p.(Ala432Gly). The computational predictor REVEL gives a score of 0.176, however, SpliceAI gives a delta score of 0.62 for loss of the canonical donor and 1.00 for gain of a cryptic donor 38 nucleotides into exon 13. RNA analysis has demonstrated a complete splice effect of this variant, resulting in the deletion of the last 38 nucleotides of exon 13, which is expected to lead to a frameshift, premature truncation, p.(Ala432GlyfsTer49), and subsequent nonsense mediated decay (PMID: 20096397, PVS1_RNA). This variant has been reported in at least five unrelated individuals with features consistent with LGMD (PMID: 26809617, 31353849, 20096397), including in a homozygous state in the probands of two consanguineous families sharing a common haplotype (0.25 pts x2; PMID: 20096397) and in unknown phase with a pathogenic variant in three affected individuals (c.989dupT p.(Leu330Phefs), 0.5 pts, PMID: 26809617; c.191dupA p.(Asn64LysfsTer15), 0.5 pts, PMID: 31353849; and c.2272C>T p.(Arg758Cys), 0.5 pts, PMID: 31353849) (PM3_Strong). At least one patient with this variant and a second presumed diagnostic ANO5 allele displayed a progressive limb girdle pattern of muscle weakness (PMID: 26809617, 31353849, 20096397; PP4). This variant has also been reported to co-segregate with autosomal recessive LGMD in four affected family members from the two families sharing the same haplotype (PMID: 20096397; PP1_Strong). The upper bound of the 95% confidence interval of the Grpmax variant allele frequency in gnomAD v4.1.0 is 0.000021617 (17/1179582 European (non-Finnish) chromosomes), which is less than the threshold of 0.0001 for PM2_Supporting, meeting this criterion (PM2_Supporting). In summary, this variant meets the criteria to be classified as Pathogenic for autosomal recessive limb girdle muscular dystrophy based on the ACMG/AMP criteria applied, as specified by the ClinGen LGMD VCEP (LGMD VCEP specifications version 2.0.0; 01/08/2026): PVS1_RNA, PM3_Strong, PP4, PP1_Strong, PM2_Supporting.

Labcorp Genetics (formerly Invitae), Labcorp
Classification: Pathogenic for Autosomal recessive limb-girdle muscular dystrophy type 2L; Gnathodiaphyseal dysplasia. Last evaluated: 2025-12-01. Review status: criteria provided, single submitter. Criteria: Invitae Variant Classification Sherloc (09022015). Collection method: clinical testing. Allele origin: germline. Not counted in ClinVar's aggregate classification.
Comment: This sequence change replaces alanine, which is neutral and non-polar, with glycine, which is neutral and non-polar, at codon 432 of the ANO5 protein (p.Ala432Gly). RNA analysis indicates that this missense change induces altered splicing and may result in an absent or altered protein product. This variant is present in population databases (rs137854524, gnomAD 0.006%). This missense change has been observed in individuals with autosomal recessive limb-girdle muscular dystrophy (PMID: 20096397, 26809617, 31353849). It has also been observed to segregate with disease in related individuals. ClinVar contains an entry for this variant (Variation ID: 2163). Invitae Evidence Modeling of protein sequence and biophysical properties (such as structural, functional, and spatial information, amino acid conservation, physicochemical variation, residue mobility, and thermodynamic stability) has been performed for this missense variant. However, the output from this modeling did not meet the statistical confidence thresholds required to predict the impact of this variant on ANO5 protein function. Studies have shown that this missense change results in activation of a cryptic splice site, and produces a non-functional protein and/or introduces a premature termination codon (PMID: 20096397). For these reasons, this variant has been classified as Pathogenic.

GeneDx
Classification: Pathogenic. Last evaluated: 2025-04-02. Review status: criteria provided, single submitter. Criteria: GeneDx Variant Classification Process June 2021. Collection method: clinical testing. Allele origin: germline. Affected: yes. Not counted in ClinVar's aggregate classification.
Comment: Published functional studies demonstrate that the variant is predicted to result in nonsense mediated decay in a gene for which loss of function is a known mechanism of disease (PMID: 20096397); Not observed at significant frequency in large population cohorts (gnomAD); In silico analysis supports a deleterious effect on splicing; In silico analysis supports that this missense variant has a deleterious effect on protein structure/function; This variant is associated with the following publications: (PMID: 21739273, 25525159, 23193613, 26809617, 31353849, 20096397)

Blueprint Genetics
Classification: Pathogenic for ANO5-related disorders. Last evaluated: 2023-11-09. Review status: criteria provided, single submitter. Criteria: ACMG Guidelines, 2015. Collection method: clinical testing. Allele origin: germline. Affected: yes. Observed: 5 variant alleles. Not counted in ClinVar's aggregate classification.

Women's Health and Genetics/Laboratory Corporation of America, LabCorp
Classification: Pathogenic for Autosomal recessive limb-girdle muscular dystrophy. Last evaluated: 2023-05-31. Review status: criteria provided, single submitter. Criteria: LabCorp Variant Classification Summary - May 2015. Collection method: clinical testing. Allele origin: germline. Not counted in ClinVar's aggregate classification.
Comment: Variant summary: ANO5 c.1295C>G (p.Ala432Gly) results in a non-conservative amino acid change in the encoded protein sequence. Four of five in-silico tools predict a damaging effect of the variant on protein function. Several computational tools predict a significant impact on normal splicing: Four predict the variant creates cryptic 5' donor site. At least one publication reports experimental evidence that this variant affects mRNA splicing. Muscle cDNA from a homozygous patient confirmed aberrant splicing of exon 13 that resulted in the deletion of the last 38 nucleotides of this exon leading to a frameshift and a predicted premature truncation (p.Ala432GlyfsX49) (Bolduc_2010). The variant allele was found at a frequency of 2.8e-05 in 250624 control chromosomes (gnomAD). c.1295C>G has been reported in the literature in multiple individuals affected with Limb-Girdle Muscular Dystrophy, Autosomal Recessive (examples: Bolduc_2010, Levesque_2016, Silva_2019). These data indicate that the variant is very likely to be associated with disease. The following publications have been ascertained in the context of this evaluation (PMID: 20096397, 26809617, 31353849). Four clinical diagnostic laboratories have submitted clinical-significance assessments for this variant to ClinVar after 2014 and all classified the variant as pathogenic. Based on the evidence outlined above, the variant was classified as pathogenic.

Revvity Omics, Revvity
Classification: Pathogenic. Last evaluated: 2019-09-26. Review status: criteria provided, single submitter. Criteria: ACMG Guidelines, 2015. Collection method: clinical testing. Allele origin: germline. Not counted in ClinVar's aggregate classification.

Fulgent Genetics
Classification: Pathogenic for Gnathodiaphyseal dysplasia; Autosomal recessive limb-girdle muscular dystrophy type 2L; Miyoshi muscular dystrophy 3. Last evaluated: 2018-10-31. Review status: criteria provided, single submitter. Criteria: ACMG Guidelines, 2015. Collection method: clinical testing. Allele origin: unknown. Not counted in ClinVar's aggregate classification.

Eurofins Ntd Llc (ga)
Classification: Pathogenic. Last evaluated: 2015-05-19. Review status: criteria provided, single submitter. Criteria: EGL Classification Definitions. Collection method: clinical testing. Allele origin: germline. Observed: 6 variant alleles, 6 heterozygotes. Not counted in ClinVar's aggregate classification.

PreventionGenetics, part of Exact Sciences
Classification: Pathogenic for ANO5-related condition. Last evaluated: 2024-03-07. Review status: no assertion criteria provided. Collection method: clinical testing. Allele origin: germline. Not counted in ClinVar's aggregate classification.
Comment: The ANO5 c.1295C>G variant is predicted to result in the amino acid substitution p.Ala432Gly. The c.1295C>G variant has been reported in the compound heterozygous state in several unrelated individuals to be causative for limb girdle muscular dystrophy 2L (Bolduc Véronique et al. 2010. PubMed ID: 20096397; Lévesque S. et al. 2016. PubMed ID: 26809617). Functional studies found that this variant results in abnormal exon splicing (Bolduc Véronique et al. 2010. PubMed ID: 20096397). This variant is reported in 0.0062% of alleles in individuals of European (non-Finnish) descent in gnomAD. This variant is interpreted as pathogenic.

OMIM
Classification: Pathogenic for MUSCULAR DYSTROPHY, LIMB-GIRDLE, AUTOSOMAL RECESSIVE 12. Last evaluated: 2010-02-12. Review status: no assertion criteria provided. Collection method: literature only. Allele origin: germline. Not counted in ClinVar's aggregate classification.

ANO5 @LOVD
No classification provided. Review status: no classification provided. Collection method: not provided. Allele origin: unknown. Not counted in ClinVar's aggregate classification.

GeneReviews
No classification provided. Condition: Autosomal recessive limb-girdle muscular dystrophy type 2L. Review status: no classification provided. Collection method: literature only. Allele origin: unknown. Not counted in ClinVar's aggregate classification.

Literature cited by the submitters: PubMed 20096397 (cited by 3 submitters); PubMed 26809617 (cited by Labcorp Genetics (formerly Invitae), Labcorp and Women's Health and Genetics/Laboratory Corporation of America, LabCorp); PubMed 31353849 (cited by Labcorp Genetics (formerly Invitae), Labcorp and Women's Health and Genetics/Laboratory Corporation of America, LabCorp); PubMed 17008331 (cited by OMIM); PubMed 23193613 (cited by GeneReviews); NCBI Bookshelf NBK114459 (cited by GeneReviews).